The following is an entry in ClinVar:

ClinVar aggregate classification (germline): Uncertain significance (1 of 4 stars; one submission).

Conditions:
Epidermolysis bullosa simplex 5C, with pyloric atresia (EBS5C). Also called: Epidermolysis bullosa simplex with pyloric atresia; PLEC-Related Epidermolysis Bullosa with Pyloric Atresia; PLEC1-Related Epidermolysis Bullosa with Pyloric Atresia. Identifiers: Orphanet 158684, MedGen C2677349, MONDO:0012807, OMIM 612138.
Epidermolysis bullosa simplex with nail dystrophy (EBS5D). Identifiers: MedGen C4225309, MONDO:0014661, OMIM 616487.
Epidermolysis bullosa simplex 5B, with muscular dystrophy (EBS5B). Also called: Epidermolysis bullosa simplex with muscular dystrophy; EPIDERMOLYSIS BULLOSA SIMPLEX AND LIMB-GIRDLE MUSCULAR DYSTROPHY. Identifiers: Orphanet 257, MedGen C2931072, MONDO:0009181, OMIM 226670.
Autosomal recessive limb-girdle muscular dystrophy type 2Q (LGMDR17). Also called: MUSCULAR DYSTROPHY, LIMB-GIRDLE, AUTOSOMAL RECESSIVE 17. Identifiers: Orphanet 254361, MedGen C3150989, MONDO:0013390, OMIM 613723.
Epidermolysis bullosa simplex, Ogna type (EBS5A). Also called: Pidermolysis bullosa simplex 5A, Ogna type; EPIDERMOLYSIS BULLOSA SIMPLEX 5A, OGNA TYPE. Identifiers: Orphanet 79401, MedGen C0432317, MONDO:0007555, OMIM 131950.

Submission:

Labcorp Genetics (formerly Invitae), Labcorp
Classification: Uncertain significance for Autosomal recessive limb-girdle muscular dystrophy type 2Q; Epidermolysis bullosa simplex, Ogna type; Epidermolysis bullosa simplex with nail dystrophy; Epidermolysis bullosa simplex 5C, with pyloric atresia; Epidermolysis bullosa simplex 5B, with muscular dystrophy. Last evaluated: 2021-10-28. Review status: criteria provided, single submitter. Criteria: Invitae Variant Classification Sherloc (09022015). Collection method: clinical testing. Allele origin: germline.
Comment: In summary, the available evidence is currently insufficient to determine the role of this variant in disease. Therefore, it has been classified as a Variant of Uncertain Significance. Variants that disrupt the consensus splice site are a relatively common cause of aberrant splicing (PMID: 17576681, 9536098). Algorithms developed to predict the effect of sequence changes on RNA splicing suggest that this variant may disrupt the consensus splice site. This variant has not been reported in the literature in individuals affected with PLEC-related conditions. This variant is not present in population databases (gnomAD no frequency). This sequence change falls in intron 6 of the PLEC gene. It does not directly change the encoded amino acid sequence of the PLEC protein. It affects a nucleotide within the consensus splice site.

Literature cited by the submitters: PubMed 17576681; PubMed 9536098.

NM_201384.3(PLEC):c.435+3A>G

Gene: PLEC (plectin; minus strand). Cytogenetic location: 8q24.3.
Variant type: single nucleotide variant.
Coding change: c.435+3A>G on transcript NM_201384.3 (MANE Select); 3 bases into the intron after coding-DNA position 435, A replaced by G.
Molecular consequence: intron variant.
Genome position (GRCh38, 1-based): chr8:143,936,976, T>C on the plus strand (A>G on the coding strand, the complement: PLEC is on the minus strand). VCF-style: chr8-143936976-T-C. GRCh37 (hg19) VCF-style: chr8-145011144-T-C.
Other names: c.516+3A>G (NM_000445.5); c.393+3A>G (NM_201378.4); c.369+3A>G (NM_201379.3); c.846+3A>G (NM_201380.4); c.339+3A>G (NM_201381.3); c.435+3A>G (NM_201382.4); c.447+3A>G (NM_201383.3).
Identifiers: ClinVar variation 1408327 (VCV001408327.6), dbSNP rs1829221550, ClinGen allele CA2573142896.